The following is an entry in ClinVar:

NM_000256.3(MYBPC3):c.908+9C>T

Gene: MYBPC3 (myosin binding protein C3; minus strand). Cytogenetic location: 11p11.2.
Variant type: single nucleotide variant.
Coding change: c.908+9C>T on transcript NM_000256.3 (MANE Select); 9 bases into the intron after coding-DNA position 908, C replaced by T.
Molecular consequence: intron variant.
Genome position (GRCh38, 1-based): chr11:47,347,018, G>A on the plus strand (C>T on the coding strand, the complement: MYBPC3 is on the minus strand). VCF-style: chr11-47347018-G-A. GRCh37 (hg19) VCF-style: chr11-47368569-G-A.
Identifiers: ClinVar variation 1625883 (VCV001625883.9), dbSNP rs1425018341, ClinGen allele CA599059600.
Genomic context (GRCh38, chr11:47,347,018, plus strand): 5'-GGGGACGGGAATCCCCTCTGCACCCACCAGCGCCCTGCCGCCCCCAAACACCCAGACCCC[G>A]ATTCTTACTCTCTGGGCCACAGCAGCAGCAGCCATAATGGAGGGGCCGGGGGAGAGGGAG-3'

ClinVar aggregate classification (germline): Likely benign. Review status: criteria provided, multiple submitters, no conflicts (2 of 4 stars). 2 submissions from 2 submitters: Likely benign (2). Last evaluated 2026-06-02.

Conditions:
MYBPC3-related disorder. Also called: MYBPC3-related condition; MYBPC3-related disease; MYBPC3-related disorders.
Hypertrophic cardiomyopathy. Also called: HYPERTROPHIC MYOCARDIOPATHY. Identifiers: Orphanet 217569, MedGen C0007194, MeSH D002312, MONDO:0005045, HP:0001639.

Allele frequency attached by ClinVar (database versions not stated): gnomAD exomes below 0.00001; gnomAD 0.00001.
gnomAD v4.1: 4 of 790,602 alleles (0.00051%); highest among the groups gnomAD compares: Middle Eastern, 0.022%; no homozygotes.

Submissions (2):

PreventionGenetics, part of Exact Sciences
Classification: Likely benign for MYBPC3-related condition. Last evaluated: 2026-06-02. Review status: criteria provided, single submitter. Criteria: ACMG Guidelines, 2015. Collection method: clinical testing. Allele origin: germline.
Comment: This variant is classified as likely benign based on ACMG/AMP sequence variant interpretation guidelines (Richards et al. 2015 PMID: 25741868, with internal and published modifications).

Labcorp Genetics (formerly Invitae), Labcorp
Classification: Likely benign for Hypertrophic cardiomyopathy. Last evaluated: 2025-02-12. Review status: criteria provided, single submitter. Criteria: Invitae Variant Classification Sherloc (09022015). Collection method: clinical testing. Allele origin: germline.